The following is an entry in ClinVar:

NM_024426.6(WT1):c.200C>T (p.Ser67Phe)

Genes: WT1 (WT1 transcription factor; minus strand), LOC107982234 (WT1/WT1-AS bi-directional promoter region; plus strand). Cytogenetic location: 11p13.
Variant type: single nucleotide variant.
Coding change: c.200C>T on transcript NM_024426.6 (MANE Select); coding-DNA position 200, C replaced by T.
Protein change: p.Ser67Phe; replaces serine 67 with phenylalanine.
Molecular consequence: missense variant. On other transcripts: non-coding transcript variant (1).
Genome position (GRCh38, 1-based): chr11:32,435,161, G>A on the plus strand (C>T on the coding strand, the complement: WT1 is on the minus strand). VCF-style: chr11-32435161-G-A. GRCh37 (hg19) VCF-style: chr11-32456707-G-A.
Other names: c.200C>T, p.Ser67Phe (NM_000378.6, NM_024424.5); short protein forms S67F.
Identifiers: ClinVar variation 543142 (VCV000543142.10), dbSNP rs1327516147, ClinGen allele CA379966174.

ClinVar aggregate classification (germline): Uncertain significance. Review status: criteria provided, multiple submitters, no conflicts (2 of 4 stars). 2 submissions from 2 submitters: Uncertain significance (2). Last evaluated 2025-06-19.

Conditions:
Inborn genetic diseases. Identifiers: MedGen C0950123, MeSH D030342.
Wilms tumor 1 (WT1). Also called: Wilms tumor, somatic. Identifiers: Orphanet 654, MedGen CN033288, MONDO:0008679, OMIM 194070.
11p partial monosomy syndrome (WAGR). Also called: CHROMOSOME 11p13 DELETION SYNDROME; WAGR Spectrum Disorder; WAGR syndrome; WAGR Complex. Identifiers: Orphanet 893, MedGen C0206115, MONDO:0008681, OMIM 194072.
Frasier syndrome. Identifiers: Orphanet 347, MedGen C0950122, MeSH D052159, MONDO:0007635, OMIM 136680.
Drash syndrome (DDS). Also called: NEPHROPATHY, WILMS TUMOR, AND GENITAL ANOMALIES; WILMS TUMOR AND PSEUDO- OR TRUE HERMAPHRODITISM. Identifiers: Orphanet 220, MedGen C0950121, MONDO:0008682, OMIM 194080.

gnomAD v4.1: 2 of 1,521,768 alleles (0.00013%); highest among the groups gnomAD compares: Non-Finnish European, 0.00018%; no homozygotes.

Submissions (2):

Ambry Genetics
Classification: Uncertain significance for Inborn genetic diseases. Last evaluated: 2025-06-19. Review status: criteria provided, single submitter. Criteria: Ambry Variant Classification Scheme 2023. Collection method: clinical testing. Allele origin: germline.
Comment: The p.S62F variant (also known as c.185C>T), located in coding exon 1 of the WT1 gene, results from a C to T substitution at nucleotide position 185. The serine at codon 62 is replaced by phenylalanine, an amino acid with highly dissimilar properties. This amino acid position is conserved. In addition, this alteration is predicted to be tolerated by in silico analysis. Based on the available evidence, the clinical significance of this variant remains unclear.

Labcorp Genetics (formerly Invitae), Labcorp
Classification: Uncertain significance for Wilms tumor 1; Drash syndrome; 11p partial monosomy syndrome; Frasier syndrome. Last evaluated: 2022-03-18. Review status: criteria provided, single submitter. Criteria: Invitae Variant Classification Sherloc (09022015). Collection method: clinical testing. Allele origin: germline.
Comment: This sequence change replaces serine, which is neutral and polar, with phenylalanine, which is neutral and non-polar, at codon 62 of the WT1 protein (p.Ser62Phe). In summary, the available evidence is currently insufficient to determine the role of this variant in disease. Therefore, it has been classified as a Variant of Uncertain Significance. Algorithms developed to predict the effect of missense changes on protein structure and function are either unavailable or do not agree on the potential impact of this missense change (SIFT: "Deleterious"; PolyPhen-2: "Possibly Damaging"; Align-GVGD: "Class C0"). ClinVar contains an entry for this variant (Variation ID: 543142). This variant has not been reported in the literature in individuals affected with WT1-related conditions. This variant is not present in population databases (gnomAD no frequency).